The following is an entry in ClinVar:

ClinVar aggregate classification (germline): Pathogenic (1 of 4 stars; one submission).

Submission:

Labcorp Genetics (formerly Invitae), Labcorp
Classification: Pathogenic. Last evaluated: 2023-06-15. Review status: criteria provided, single submitter. Criteria: Invitae Variant Classification Sherloc (09022015). Collection method: clinical testing. Allele origin: germline.
Comment: For these reasons, this variant has been classified as Pathogenic. This variant has not been reported in the literature in individuals affected with COL2A1-related conditions. This variant is not present in population databases (gnomAD no frequency). This sequence change creates a premature translational stop signal (p.Ala860Glyfs*25) in the COL2A1 gene. It is expected to result in an absent or disrupted protein product. Loss-of-function variants in COL2A1 are known to be pathogenic (PMID: 20179744).

Literature cited by the submitters: PubMed 20179744.

NM_001844.5(COL2A1):c.2578dup (p.Ala860fs)

Gene: COL2A1 (collagen type II alpha 1 chain; minus strand). Cytogenetic location: 12q13.11.
Variant type: Duplication.
Coding change: c.2578dup on transcript NM_001844.5 (MANE Select); coding-DNA position 2578, one base duplicated (G; older notation c.2578dupG).
Protein change: p.Ala860fs; shifts the reading frame from alanine 860.
Molecular consequence: frameshift variant.
Genome position (GRCh38, 1-based): chr12:47,980,601, C duplicated on the plus strand (G on the coding strand, the reverse complement: COL2A1 is on the minus strand). VCF-style (leftmost placement, unchanged base first): chr12-47980600-G-GC. GRCh37 (hg19) VCF-style: chr12-48374383-G-GC.
Other names: c.2371dup, p.Ala791fs (NM_033150.3); short protein forms A791fs, A860fs.
Identifiers: ClinVar variation 2715604 (VCV002715604.3), dbSNP rs2540122346, ClinGen allele CA2697559209.